The following is an entry in ClinVar:

NM_004360.5(CDH1):c.700G>C (p.Ala234Pro)

Gene: CDH1 (cadherin 1; plus strand). Cytogenetic location: 16q22.1.
Variant type: single nucleotide variant.
Coding change: c.700G>C on transcript NM_004360.5 (MANE Select); coding-DNA position 700, G replaced by C.
Protein change: p.Ala234Pro; replaces alanine 234 with proline.
Molecular consequence: missense variant. On other transcripts: 5 prime UTR variant (2).
Genome position (GRCh38, 1-based): chr16:68,810,209, G>C. VCF-style: chr16-68810209-G-C. GRCh37 (hg19) VCF-style: chr16-68844112-G-C.
Other names: c.700G>C, p.Ala234Pro (NM_001317184.2); c.-916G>C (NM_001317185.2); c.-1120G>C (NM_001317186.2); short protein forms A234P.
Identifiers: ClinVar variation 5033951 (VCV005033951.1).

ClinVar aggregate classification (germline): Uncertain significance (1 of 4 stars; one submission).

Conditions:
Hereditary cancer-predisposing syndrome. Also called: Neoplastic Syndromes, Hereditary; Tumor predisposition; Hereditary neoplastic syndrome; Hereditary Cancer Syndrome. Identifiers: Orphanet 140162, MedGen C0027672, MeSH D009386, MONDO:0015356.

Submission:

Ambry Genetics
Classification: Uncertain significance for Hereditary cancer-predisposing syndrome. Last evaluated: 2026-07-06. Review status: criteria provided, single submitter. Criteria: Ambry Variant Classification Scheme 2023. Collection method: clinical testing. Allele origin: germline.
Comment: The p.A234P variant (also known as c.700G>C), located in coding exon 6 of the CDH1 gene, results from a G to C substitution at nucleotide position 700. The alanine at codon 234 is replaced by proline, an amino acid with highly similar properties. This amino acid position is conserved. In addition, this alteration is predicted to be deleterious by in silico analysis. Based on the available evidence, the clinical significance of this variant remains unclear.